The following is an entry in ClinVar:

NM_015378.4(VPS13D):c.9418A>G (p.Ser3140Gly)

Gene: VPS13D (vacuolar protein sorting 13 homolog D; plus strand). Cytogenetic location: 1p36.22.
Variant type: single nucleotide variant.
Coding change: c.9418A>G on transcript NM_015378.4 (MANE Select); coding-DNA position 9418, A replaced by G.
Protein change: p.Ser3140Gly; replaces serine 3140 with glycine.
Molecular consequence: missense variant.
Genome position (GRCh38, 1-based): chr1:12,349,361, A>G. VCF-style: chr1-12349361-A-G. GRCh37 (hg19) VCF-style: chr1-12409418-A-G.
Other names: c.9343A>G, p.Ser3115Gly (NM_018156.4); short protein forms S3140G, S3115G.
Identifiers: ClinVar variation 4764273 (VCV004764273.1).

ClinVar aggregate classification (germline): Uncertain significance (1 of 4 stars; one submission).

gnomAD v4.1: 4 of 1,614,154 alleles (0.00025%); highest among the groups gnomAD compares: South Asian, 0.0011%; no homozygotes.

Submission:

Labcorp Genetics (formerly Invitae), Labcorp
Classification: Uncertain significance. Last evaluated: 2026-01-19. Review status: criteria provided, single submitter. Criteria: Invitae Variant Classification Sherloc (09022015). Collection method: clinical testing. Allele origin: germline.
Comment: This sequence change replaces serine, which is neutral and polar, with glycine, which is neutral and non-polar, at codon 3140 of the VPS13D protein (p.Ser3140Gly). This variant is present in population databases (rs754945938, gnomAD 0.003%). This variant has not been reported in the literature in individuals affected with VPS13D-related conditions. Invitae Evidence Modeling of protein sequence and biophysical properties (such as structural, functional, and spatial information, amino acid conservation, physicochemical variation, residue mobility, and thermodynamic stability) indicates that this missense variant is not expected to disrupt VPS13D protein function with a negative predictive value of 80%. In summary, the available evidence is currently insufficient to determine the role of this variant in disease. Therefore, it has been classified as a Variant of Uncertain Significance.